The following is an entry in ClinVar:

NM_000179.3(MSH6):c.850_851insC (p.Asp284fs)

Gene: MSH6 (mutS homolog 6; plus strand). Cytogenetic location: 2p16.3.
Variant type: Insertion.
Coding change: c.850_851insC on transcript NM_000179.3 (MANE Select); coding-DNA positions 850 to 851, C inserted.
Protein change: p.Asp284fs; shifts the reading frame from aspartic acid 284.
Molecular consequence: frameshift variant. On other transcripts: 5 prime UTR variant (2).
Genome position: GRCh38 VCF-style: chr2-47798833-G-GC. GRCh37 (hg19) VCF-style: chr2-48025972-G-GC.
Other names: c.460_461insC, p.Asp154fs (NM_001281492.2); c.-57_-56insC (NM_001281493.2, NM_001281494.2); short protein forms D154fs, D284fs.
Identifiers: ClinVar variation 664677 (VCV000664677.8), dbSNP rs1572720562, ClinGen allele CA915943803.
Genomic context (GRCh38, chr2:47,798,833, plus strand): 5'-GAATTTAAGCCAGACACTAAGGAGGAAGGAAGCAGTGATGAAATAAGCAGTGGAGTGGGG[G>GC]ATAGTGAGAGTGAAGGCCTGAACAGCCCTGTCAAAGTTGCTCGAAAGCGGAAGAGAATGG-3'

ClinVar aggregate classification (germline): Pathogenic. Review status: criteria provided, multiple submitters, no conflicts (2 of 4 stars). 2 submissions from 2 submitters: Pathogenic (2). Last evaluated 2023-08-11.

Conditions:
Hereditary nonpolyposis colorectal neoplasms. Identifiers: MedGen C0009405, MeSH D003123.
Lynch syndrome 5 (LYNCH5). Also called: Hereditary non-polyposis colorectal cancer, type 5; Colorectal cancer, hereditary nonpolyposis, type 5. Identifiers: Orphanet 144, MedGen C1833477, MONDO:0013710, OMIM 614350. Disease mechanism: loss of function.

Submissions (2):

Myriad Genetics, Inc.
Classification: Pathogenic for Lynch syndrome 5. Last evaluated: 2023-08-11. Review status: criteria provided, single submitter. Criteria: Myriad Autosomal Dominant, Autosomal Recessive and X-Linked Classification Criteria (2023). Collection method: clinical testing. Allele origin: unknown.
Comment: This variant is considered pathogenic. This variant creates a frameshift predicted to result in premature protein truncation.

Labcorp Genetics (formerly Invitae), Labcorp
Classification: Pathogenic for Hereditary nonpolyposis colorectal neoplasms. Last evaluated: 2022-11-29. Review status: criteria provided, single submitter. Criteria: Invitae Variant Classification Sherloc (09022015). Collection method: clinical testing. Allele origin: germline.
Comment: For these reasons, this variant has been classified as Pathogenic. This sequence change creates a premature translational stop signal (p.Asp284Alafs*2) in the MSH6 gene. It is expected to result in an absent or disrupted protein product. Loss-of-function variants in MSH6 are known to be pathogenic (PMID: 18269114, 24362816). ClinVar contains an entry for this variant (Variation ID: 664677). This variant has not been reported in the literature in individuals affected with MSH6-related conditions. This variant is not present in population databases (gnomAD no frequency).

Literature cited by the submitters: PubMed 18269114 (cited by Labcorp Genetics (formerly Invitae), Labcorp); PubMed 24362816 (cited by Labcorp Genetics (formerly Invitae), Labcorp).